The following is an entry in ClinVar:

NM_000128.4(F11):c.166T>C (p.Cys56Arg)

Gene: F11 (coagulation factor XI; plus strand). Cytogenetic location: 4q35.2.
Variant type: single nucleotide variant.
Coding change: c.166T>C on transcript NM_000128.4 (MANE Select); coding-DNA position 166, T replaced by C.
Protein change: p.Cys56Arg; replaces cysteine 56 with arginine.
Molecular consequence: missense variant.
Genome position (GRCh38, 1-based): chr4:186,271,719, T>C. VCF-style: chr4-186271719-T-C. GRCh37 (hg19) VCF-style: chr4-187192873-T-C.
Other names: F11, CYS38ARG; C38R; c.166T>C, p.Cys56Arg (NM_001354804.2); short protein forms C56R.
Identifiers: ClinVar variation 11901 (VCV000011901.22), dbSNP rs121965069, ClinGen allele CA121763.

ClinVar aggregate classification (germline): Pathogenic/Likely pathogenic. Review status: criteria provided, multiple submitters, no conflicts (2 of 4 stars). 11 submissions from 11 submitters: Pathogenic (7); Likely pathogenic (2). 2 of the submissions do not count toward it. Last evaluated 2026-08-05.

Conditions:
Plasma factor XI deficiency.
Factor XI deficiency. Identifiers: MedGen C4321502, MONDO:0020587.
F11-related disorder. Also called: F11-related condition.
Hereditary factor XI deficiency disease. Also called: PLASMA THROMBOPLASTIN ANTECEDENT DEFICIENCY; Congenital factor XI deficiency; PTA DEFICIENCY; ROSENTHAL SYNDROME. Identifiers: Orphanet 329, MedGen C0015523, MeSH D005173, MONDO:0012897, OMIM 612416.

Allele frequency attached by ClinVar (database versions not stated): gnomAD exomes below 0.00001 and 0.00001; ExAC 0.00002; TOPMed 0.00003.

Submissions (11):

PreventionGenetics, part of Exact Sciences
Classification: Pathogenic for F11-related condition. Last evaluated: 2026-08-05. Review status: criteria provided, single submitter. Criteria: ACMG Guidelines, 2015. Collection method: clinical testing. Allele origin: germline.
Comment: The F11 c.166T>C variant is predicted to result in the amino acid substitution p.Cys56Arg. This variant, described as p.Cys38Arg in legacy literature, has been reported as a common founder variant in the French Basque population for both autosomal dominant and autosomal recessive factor XI deficiency (F11/FXI, Zivelin et al. 2002. PubMed ID: 11895778; Esteban et al. 2017. PubMed ID: 28960694; Kumar et al. 2023. PubMed ID: 37334785) and the variant segregated with the disorder in families (Table S1, de Mazancourt et al. 2023. PubMed ID: 37252892). A functional study noted that this variant results in no F11 activity (Zivelin et al. 2002. PubMed ID: 11895778). This variant is reported in 0.0029% of alleles in individuals of Latino descent in gnomAD and is classified as likely pathogenic or pathogenic in ClinVar (Variation ID: 11901). This variant is interpreted as pathogenic.

Variantyx, Inc.
Classification: Pathogenic for Hereditary factor XI deficiency disease. Last evaluated: 2025-10-24. Review status: criteria provided, single submitter. Criteria: Variantyx Assertion Criteria 2022. Collection method: clinical testing. Allele origin: germline. Inheritance: Semidominant inheritance.
Comment: This is a nonsynonymous variant in the F11 gene (OMIM: 264900). Pathogenic variants in this gene have been associated with autosomal semidominant factor XI deficiency. This is an established founder variant in the French Basque population (PMID: 28960694, 31043424) (PS4). It has been reported in the heterozygous state in several unrelated affected individuals (PMID: 28960694, 11895778). Functional studies have shown that this variant alters F11 protein function (PMID: 11895778) (PS3), and multiple computational algorithms predict a deleterious effect for this variant (REVEL score: 0.87) (PP3). This variant has a 0.0045% maximum allele frequency in non-founder control populations (PM2). Based on the current evidence, this variant is classified as pathogenic for autosomal semidominant factor XI deficiency.

Myriad Genetics, Inc.
Classification: Likely pathogenic for Hereditary factor XI deficiency disease. Last evaluated: 2025-08-01. Review status: criteria provided, single submitter. Criteria: Myriad Autosomal Dominant, Autosomal Recessive and X-Linked Classification Criteria (2023). Collection method: clinical testing. Allele origin: unknown.
Comment: NM_000128.3(F11):c.166T>C(C56R) is a missense variant classified as likely pathogenic in the context of factor XI deficiency. C56R has been observed in cases with relevant disease (PMID: 11895778, 28960694, 20398070, 16079124, 37334785). Relevant functional assessments of this variant are available in the literature (PMID: 11895778). C56R has been observed in referenced population frequency databases. In summary, NM_000128.3(F11):c.166T>C(C56R) is a missense variant that has functional support for pathogenicity and has been observed more frequently in cases with the relevant disease than in healthy populations. Please note: this variant was assessed in the context of healthy population screening.

Natera, Inc.
Classification: Pathogenic for Plasma factor XI deficiency. Last evaluated: 2025-07-07. Review status: criteria provided, single submitter. Criteria: Natera Variant Classification Schema (03/2026). Collection method: clinical testing. Allele origin: germline.
Comment: The c.166T>C variant in F11 is a missense variant predicted to cause substitution of cysteine to arginine at amino acid 56. This variant is rare in the general population with a frequency below the threshold expected for the associated phenotype(s). This variant has been observed in one or more individuals affected with the associated recessive disease, as either homozygous or compound heterozygous with a second variant (PMID: 28960694, 16079124, 20398070). Additionally, this variant has been observed to segregate in affected family members (PMID: 28960694). This variant has been identified in one or more affected individual with a phenotype highly consistent with the associated gene (PMID: 28960694). Functional studies show that this variant may disrupt protein function (PMID: 11895778). Computational prediction algorithms indicate this variant is likely to affect gene or protein function. Given the available evidence, this variant is classified as Pathogenic.

Mayo Clinic Laboratories, Mayo Clinic
Classification: Pathogenic. Last evaluated: 2024-11-29. Review status: criteria provided, single submitter. Criteria: ACMG Guidelines, 2015. Collection method: clinical testing. Allele origin: germline. Observed: 2 variant alleles.
Comment: PP1, PP3, PM1, PS3, PS4_moderate

Rady Children's Institute for Genomic Medicine, Rady Children's Hospital San Diego
Classification: Likely pathogenic for FACTOR XI DEFICIENCY. Last evaluated: 2024-08-22. Review status: criteria provided, single submitter. Criteria: ACMG Guidelines, 2015. Collection method: clinical testing. Allele origin: germline. Affected: yes.
Comment: This variant is also referred to as p.Cys38Arg by legacy nomenclature. The c.166T>C (p.Cys56Arg) variant affects a highly conserved amino acid and is predicted by multiple in silico tools to have a deleterious effect on protein function. This variant has been previously reported as a heterozygous, compound heterozygous, and homozygous change in patients with factor XI deficiency (PMID: 11895778, 16079124, 28960694, 29367083). Functional studies indicate this variant may lead to impaired protein function (PMID: 11895778). The c.166T>C (p.Cys56Arg) variant is present in the latest version of the gnomAD population database at an allele frequency of 0.0004% (8/1614192), including 1 homozygous individual. Based on the available evidence, c.166T>C (p.Cys56Arg) is classified as Likely Pathogenic.

GeneDx
Classification: Pathogenic. Last evaluated: 2024-05-13. Review status: criteria provided, single submitter. Criteria: GeneDx Variant Classification Process June 2021. Collection method: clinical testing. Allele origin: germline. Affected: yes.
Comment: Published functional studies demonstrate that cells transfected with C56R contained neither factor XI antigen nor factor XI activity (PMID: 11895778); Not observed at significant frequency in large population cohorts (gnomAD); In silico analysis supports that this missense variant has a deleterious effect on protein structure/function; This variant is associated with the following publications: (PMID: 19652879, 31043424, 11895778, 16079124, 22159456, 15140127, 27723456, 29367083, 31589614, 32278893, 38003459, 37334785, 28960694, 37252892, 20398070, 10444286)

Labcorp Genetics (formerly Invitae), Labcorp
Classification: Pathogenic. Last evaluated: 2023-03-08. Review status: criteria provided, single submitter. Criteria: Invitae Variant Classification Sherloc (09022015). Collection method: clinical testing. Allele origin: germline.
Comment: This sequence change replaces cysteine, which is neutral and slightly polar, with arginine, which is basic and polar, at codon 56 of the F11 protein (p.Cys56Arg). This variant is present in population databases (rs121965069, gnomAD 0.003%). This missense change has been observed in individuals with factor XI deficiency (PMID: 11895778, 16079124, 20398070, 28960694). This variant is also known as Cys38Arg. ClinVar contains an entry for this variant (Variation ID: 11901). Advanced modeling of protein sequence and biophysical properties (such as structural, functional, and spatial information, amino acid conservation, physicochemical variation, residue mobility, and thermodynamic stability) performed at Invitae indicates that this missense variant is expected to disrupt F11 protein function. Experimental studies have shown that this missense change affects F11 function (PMID: 11895778). For these reasons, this variant has been classified as Pathogenic.

Revvity Omics, Revvity
Classification: Pathogenic for Hereditary factor XI deficiency disease. Last evaluated: 2022-06-30. Review status: criteria provided, single submitter. Criteria: ACMG Guidelines, 2015. Collection method: clinical testing. Allele origin: germline.

Counsyl
Classification: Likely pathogenic for Hereditary factor XI deficiency disease. Last evaluated: 2015-11-25. Review status: no assertion criteria provided. Collection method: clinical testing. Allele origin: unknown. Not counted in ClinVar's aggregate classification.

OMIM
Classification: Pathogenic for FACTOR XI DEFICIENCY. Last evaluated: 2002-04-01. Review status: no assertion criteria provided. Collection method: literature only. Allele origin: germline. Not counted in ClinVar's aggregate classification.

Literature cited by the submitters: PubMed 28960694 (cited by 5 submitters); PubMed 31043424 (cited by Variantyx, Inc. and Mayo Clinic Laboratories, Mayo Clinic); PubMed 11895778 (cited by 7 submitters); PubMed 16079124 (cited by 4 submitters); PubMed 20398070 (cited by 5 submitters); PubMed 37334785 (cited by Myriad Genetics, Inc. and Mayo Clinic Laboratories, Mayo Clinic); PubMed 19652879 (cited by Mayo Clinic Laboratories, Mayo Clinic); PubMed 19718484 (cited by Mayo Clinic Laboratories, Mayo Clinic); PubMed 1998667 (cited by Mayo Clinic Laboratories, Mayo Clinic); PubMed 20308231 (cited by Mayo Clinic Laboratories, Mayo Clinic); PubMed 22159456 (cited by Mayo Clinic Laboratories, Mayo Clinic); PubMed 29367083 (cited by Mayo Clinic Laboratories, Mayo Clinic); PubMed 31589614 (cited by Mayo Clinic Laboratories, Mayo Clinic); PubMed 32278893 (cited by Mayo Clinic Laboratories, Mayo Clinic); PubMed 34597376 (cited by Mayo Clinic Laboratories, Mayo Clinic); PubMed 37647632 (cited by Mayo Clinic Laboratories, Mayo Clinic); PubMed 10444286 (cited by OMIM).